The following is an entry in ClinVar:

ClinVar aggregate classification (germline): Uncertain significance (1 of 4 stars; one submission).

Conditions:
Werner syndrome (WRN). Identifiers: Orphanet 902, MedGen C0043119, MONDO:0010196, OMIM 277700.

Submission:

Labcorp Genetics (formerly Invitae), Labcorp
Classification: Uncertain significance for Werner syndrome. Last evaluated: 2021-09-15. Review status: criteria provided, single submitter. Criteria: Invitae Variant Classification Sherloc (09022015). Collection method: clinical testing. Allele origin: germline.
Comment: In summary, the available evidence is currently insufficient to determine the role of this variant in disease. Therefore, it has been classified as a Variant of Uncertain Significance. Algorithms developed to predict the effect of missense changes on protein structure and function output the following: SIFT: "Not Available"; PolyPhen-2: "Benign"; Align-GVGD: "Not Available". The alanine amino acid residue is found in multiple mammalian species, which suggests that this missense change does not adversely affect protein function. This variant has not been reported in the literature in individuals affected with WRN-related conditions. This variant is not present in population databases (ExAC no frequency). This sequence change replaces glycine with alanine at codon 301 of the WRN protein (p.Gly301Ala). The glycine residue is weakly conserved and there is a small physicochemical difference between glycine and alanine.

NM_000553.6(WRN):c.902G>C (p.Gly301Ala)

Gene: WRN (WRN RecQ like helicase; plus strand). Cytogenetic location: 8p12.
Variant type: single nucleotide variant.
Coding change: c.902G>C on transcript NM_000553.6 (MANE Select); coding-DNA position 902, G replaced by C.
Protein change: p.Gly301Ala; replaces glycine 301 with alanine.
Molecular consequence: missense variant.
Genome position (GRCh38, 1-based): chr8:31,080,929, G>C. VCF-style: chr8-31080929-G-C. GRCh37 (hg19) VCF-style: chr8-30938445-G-C.
Other names: short protein forms G301A.
Identifiers: ClinVar variation 1500169 (VCV001500169.6), dbSNP rs1563338580, ClinGen allele CA370919815.